The following is an entry in ClinVar:

NM_000548.5(TSC2):c.4198G>A (p.Asp1400Asn)

Gene: TSC2 (TSC complex subunit 2; plus strand). Cytogenetic location: 16p13.3.
Variant type: single nucleotide variant.
Coding change: c.4198G>A on transcript NM_000548.5 (MANE Select); coding-DNA position 4198, G replaced by A.
Protein change: p.Asp1400Asn; replaces aspartic acid 1400 with asparagine.
Molecular consequence: missense variant.
Genome position (GRCh38, 1-based): chr16:2,084,420, G>A. VCF-style: chr16-2084420-G-A. GRCh37 (hg19) VCF-style: chr16-2134421-G-A.
Other names: p.D1400N:GAC>AAC; c.3997G>A, p.Asp1333Asn (NM_001077183.3); c.4129G>A, p.Asp1377Asn (NM_001114382.3); c.3889G>A, p.Asp1297Asn (NM_001318827.2); c.3853G>A, p.Asp1285Asn (NM_001318829.2); c.3466G>A, p.Asp1156Asn (NM_001318831.2); c.4030G>A, p.Asp1344Asn (NM_001318832.2); c.4000G>A, p.Asp1334Asn (NM_001363528.2); and 2 more; short protein forms D1400N, D1285N, D1297N, D1334N, D1156N, D1357N, D1333N, D1356N.
Identifiers: ClinVar variation 207682 (VCV000207682.8), dbSNP rs762368225, ClinGen allele CA319383.
Genomic context (GRCh38, chr16:2,084,420, plus strand): 5'-CAGCCCCTGAGCAAGTCCAGCTCCTCTCCCGAGCTGCAGACTCTGCAGGACATCCTCGGG[G>A]ACCCTGGGGACAAGGCCGACGTGGGCCGGCTGAGCCCTGAGGTTAAGGCCCGGTCACAGT-3'
Protein context (NP_000539.2, residues 1390-1410): ELQTLQDILG[Asp1400Asn]PGDKADVGRL

ClinVar aggregate classification (germline): Conflicting classifications of pathogenicity. Review status: criteria provided, conflicting classifications (1 of 4 stars). 3 submissions from 3 submitters: Uncertain significance (2); Likely benign (1). Last evaluated 2025-07-06.

Conditions:
Tuberous sclerosis 2 (TSC2). Identifiers: Orphanet 805, MedGen C1860707, MONDO:0013199, OMIM 613254.
Hereditary cancer-predisposing syndrome. Also called: Neoplastic Syndromes, Hereditary; Hereditary Cancer Syndrome; Tumor predisposition; Hereditary neoplastic syndrome. Identifiers: Orphanet 140162, MedGen C0027672, MeSH D009386, MONDO:0015356.

Submissions (3):

Labcorp Genetics (formerly Invitae), Labcorp
Classification: Uncertain significance for Tuberous sclerosis 2. Last evaluated: 2025-07-06. Review status: criteria provided, single submitter. Criteria: Invitae Variant Classification Sherloc (09022015). Collection method: clinical testing. Allele origin: germline.
Comment: This sequence change replaces aspartic acid, which is acidic and polar, with asparagine, which is neutral and polar, at codon 1400 of the TSC2 protein (p.Asp1400Asn). This variant is not present in population databases (gnomAD no frequency). This variant has not been reported in the literature in individuals affected with TSC2-related conditions. ClinVar contains an entry for this variant (Variation ID: 207682). Invitae Evidence Modeling of protein sequence and biophysical properties (such as structural, functional, and spatial information, amino acid conservation, physicochemical variation, residue mobility, and thermodynamic stability) indicates that this missense variant is not expected to disrupt TSC2 protein function with a negative predictive value of 95%. In summary, the available evidence is currently insufficient to determine the role of this variant in disease. Therefore, it has been classified as a Variant of Uncertain Significance.

Ambry Genetics
Classification: Uncertain significance for Hereditary cancer-predisposing syndrome. Last evaluated: 2023-04-22. Review status: criteria provided, single submitter. Criteria: Ambry Variant Classification Scheme 2023. Collection method: clinical testing. Allele origin: germline.
Comment: The p.D1400N variant (also known as c.4198G>A), located in coding exon 33 of the TSC2 gene, results from a G to A substitution at nucleotide position 4198. The aspartic acid at codon 1400 is replaced by asparagine, an amino acid with highly similar properties. This amino acid position is conserved. In addition, the in silico prediction for this alteration is inconclusive. Since supporting evidence is limited at this time, the clinical significance of this alteration remains unclear.

GeneDx
Classification: Likely benign. Last evaluated: 2014-10-16. Review status: criteria provided, single submitter. Criteria: GeneDx Variant Classification (06012015). Collection method: clinical testing. Allele origin: germline. Affected: yes.
Comment: This variant is considered likely benign or benign based on one or more of the following criteria: it is a conservative change, it occurs at a poorly conserved position in the protein, it is predicted to be benign by multiple in silico algorithms, and/or has population frequency not consistent with disease.